The following is an entry in ClinVar:

NM_018941.4(CLN8):c.775A>G (p.Asn259Asp)

Gene: CLN8 (CLN8 transmembrane ER and ERGIC protein; plus strand). Cytogenetic location: 8p23.3.
Variant type: single nucleotide variant.
Coding change: c.775A>G on transcript NM_018941.4 (MANE Select); coding-DNA position 775, A replaced by G.
Protein change: p.Asn259Asp; replaces asparagine 259 with aspartic acid.
Molecular consequence: missense variant.
Genome position (GRCh38, 1-based): chr8:1,780,481, A>G. VCF-style: chr8-1780481-A-G. GRCh37 (hg19) VCF-style: chr8-1728647-A-G.
Other names: c.775A>G (NM_018941.3); short protein forms N259D.
Identifiers: ClinVar variation 1474193 (VCV001474193.9), dbSNP rs1044299834, ClinGen allele CA170448690.

ClinVar aggregate classification (germline): Uncertain significance. Review status: criteria provided, multiple submitters, no conflicts (2 of 4 stars). 2 submissions from 2 submitters: Uncertain significance (2). Last evaluated 2025-02-27.

Conditions:
Inborn genetic diseases. Identifiers: MedGen C0950123, MeSH D030342.
Neuronal ceroid lipofuscinosis. Also called: Neuronal Ceroid Lipofuscinoses. Identifiers: Orphanet 216, Orphanet 79263, MedGen C0027877, MONDO:0016295. Disease mechanism: loss of function.

Allele frequency attached by ClinVar (database versions not stated): gnomAD exomes below 0.00001; TOPMed below 0.00001; gnomAD 0.00001.
gnomAD v4.1: 6 of 1,614,090 alleles (0.00037%); highest among the groups gnomAD compares: Non-Finnish European, 0.00051%; no homozygotes.

Submissions (2):

Ambry Genetics
Classification: Uncertain significance for Inborn genetic diseases. Last evaluated: 2025-02-27. Review status: criteria provided, single submitter. Criteria: Ambry Variant Classification Scheme 2023. Collection method: clinical testing. Allele origin: germline.

Labcorp Genetics (formerly Invitae), Labcorp
Classification: Uncertain significance for Neuronal ceroid lipofuscinosis. Last evaluated: 2024-10-29. Review status: criteria provided, single submitter. Criteria: Invitae Variant Classification Sherloc (09022015). Collection method: clinical testing. Allele origin: germline.
Comment: This sequence change replaces asparagine, which is neutral and polar, with aspartic acid, which is acidic and polar, at codon 259 of the CLN8 protein (p.Asn259Asp). This variant is present in population databases (no rsID available, gnomAD 0.0009%). This variant has not been reported in the literature in individuals affected with CLN8-related conditions. ClinVar contains an entry for this variant (Variation ID: 1474193). Invitae Evidence Modeling of protein sequence and biophysical properties (such as structural, functional, and spatial information, amino acid conservation, physicochemical variation, residue mobility, and thermodynamic stability) has been performed for this missense variant. However, the output from this modeling did not meet the statistical confidence thresholds required to predict the impact of this variant on CLN8 protein function. In summary, the available evidence is currently insufficient to determine the role of this variant in disease. Therefore, it has been classified as a Variant of Uncertain Significance.